The following is an entry in ClinVar:

ClinVar aggregate classification (germline): Conflicting classifications of pathogenicity. Review status: criteria provided, conflicting classifications (1 of 4 stars). 2 submissions from 2 submitters: Uncertain significance (1); Benign (1). Last evaluated 2026-01-14.

Conditions:
Adams-Oliver syndrome 5 (AOS5). Identifiers: Orphanet 974, MedGen C4014970, MONDO:0014459, OMIM 616028.
Familial thoracic aortic aneurysm and aortic dissection (TAAD). Also called: Thoracic aortic aneurysms and dissections. Identifiers: Orphanet 91387, MedGen C4707243, MONDO:0019625.

Allele frequency attached by ClinVar (database versions not stated): gnomAD exomes below 0.00001 and 0.00002; ExAC 0.00002; TOPMed 0.00003; gnomAD 0.00005; ESP Exome Variant Server 0.00008.
gnomAD v4.1: 12 of 1,609,298 alleles (0.00075%); highest among the groups gnomAD compares: African/African-American, 0.013%; no homozygotes.

Submissions (2):

Labcorp Genetics (formerly Invitae), Labcorp
Classification: Benign for Adams-Oliver syndrome 5. Last evaluated: 2026-01-14. Review status: criteria provided, single submitter. Criteria: Invitae Variant Classification Sherloc (09022015). Collection method: clinical testing. Allele origin: germline.

Ambry Genetics
Classification: Uncertain significance for Familial thoracic aortic aneurysm and aortic dissection. Last evaluated: 2023-07-20. Review status: criteria provided, single submitter. Criteria: Ambry Variant Classification Scheme 2023. Collection method: clinical testing. Allele origin: germline.
Comment: The p.R128C variant (also known as c.382C>T), located in coding exon 3 of the NOTCH1 gene, results from a C to T substitution at nucleotide position 382. The arginine at codon 128 is replaced by cysteine, an amino acid with highly dissimilar properties. This amino acid position is conserved. In addition, the in silico prediction for this alteration is inconclusive. Since supporting evidence is limited at this time, the clinical significance of this alteration remains unclear.

NM_017617.5(NOTCH1):c.382C>T (p.Arg128Cys)

Gene: NOTCH1 (notch receptor 1; minus strand). Cytogenetic location: 9q34.3.
Variant type: single nucleotide variant.
Coding change: c.382C>T on transcript NM_017617.5 (MANE Select); coding-DNA position 382, C replaced by T.
Protein change: p.Arg128Cys; replaces arginine 128 with cysteine.
Molecular consequence: missense variant.
Genome position (GRCh38, 1-based): chr9:136,523,738, G>A on the plus strand (C>T on the coding strand, the complement: NOTCH1 is on the minus strand). VCF-style: chr9-136523738-G-A. GRCh37 (hg19) VCF-style: chr9-139418190-G-A.
Other names: c.382C>T, p.Arg128Cys (LRG_1122t1); short protein forms R128C.
Identifiers: ClinVar variation 649406 (VCV000649406.9), dbSNP rs371868900, ClinGen allele CA5342194.